The following is an entry in ClinVar:

ClinVar aggregate classification (germline): Uncertain significance (1 of 4 stars; one submission).

Conditions:
Nemaline myopathy 2 (NEM2). Also called: Nemaline myopathy 2, autosomal recessive. Identifiers: MedGen C1850569, MONDO:0009725, OMIM 256030.

Submission:

Labcorp Genetics (formerly Invitae), Labcorp
Classification: Uncertain significance for Nemaline myopathy 2. Last evaluated: 2022-09-06. Review status: criteria provided, single submitter. Criteria: Invitae Variant Classification Sherloc (09022015). Collection method: clinical testing. Allele origin: germline.
Comment: In summary, the available evidence is currently insufficient to determine the role of this variant in disease. Therefore, it has been classified as a Variant of Uncertain Significance. Algorithms developed to predict the effect of missense changes on protein structure and function are either unavailable or do not agree on the potential impact of this missense change (SIFT: "Deleterious"; PolyPhen-2: "Not Available"; Align-GVGD: "Class C0"). ClinVar contains an entry for this variant (Variation ID: 938656). This variant has not been reported in the literature in individuals affected with NEB-related conditions. This sequence change replaces proline, which is neutral and non-polar, with histidine, which is basic and polar, at codon 5972 of the NEB protein (p.Pro5972His). This variant is not present in population databases (gnomAD no frequency).

NM_001164508.2(NEB):c.17915C>A (p.Pro5972His)

Gene: NEB (nebulin; minus strand). Cytogenetic location: 2q23.3.
Variant type: single nucleotide variant.
Coding change: c.17915C>A on transcript NM_001164508.2 (MANE Select); coding-DNA position 17915, C replaced by A.
Protein change: p.Pro5972His; replaces proline 5972 with histidine.
Molecular consequence: missense variant.
Genome position (GRCh38, 1-based): chr2:151,567,409, G>T on the plus strand (C>A on the coding strand, the complement: NEB is on the minus strand). VCF-style: chr2-151567409-G-T. GRCh37 (hg19) VCF-style: chr2-152423923-G-T.
Other names: c.17915C>A, p.Pro5972His (NM_001164507.2, NM_001271208.2); c.12812C>A, p.Pro4271His (NM_004543.5); short protein forms P4271H, P5972H.
Identifiers: ClinVar variation 938656 (VCV000938656.9), dbSNP rs4327235, ClinGen allele CA348803903.
Genomic context (GRCh38, chr2:151,567,409, plus strand): 5'-TCCTCTTTGTATAGTCTCTCATTCTGAATCTGGCCTGCATGCTCAAACCAAACCAGCTTA[G>T]GATCATCTCTCATCGTCGGGACACCAACATAATGACCTTTTTGCTTCACATGTTCAGCTT-3'
Protein context (NP_001157980.2, residues 5962-5982): YVGVPTMRDD[Pro5972His]KLVWFEHAGQ